The following is an entry in ClinVar:

NM_004977.3(KCNC3):c.1978+3G>A

Gene: KCNC3 (potassium voltage-gated channel subfamily C member 3; minus strand). Cytogenetic location: 19q13.33.
Variant type: single nucleotide variant.
Coding change: c.1978+3G>A on transcript NM_004977.3 (MANE Select); 3 bases into the intron after coding-DNA position 1978, G replaced by A.
Molecular consequence: intron variant.
Genome position (GRCh38, 1-based): chr19:50,322,972, C>T on the plus strand (G>A on the coding strand, the complement: KCNC3 is on the minus strand). VCF-style: chr19-50322972-C-T. GRCh37 (hg19) VCF-style: chr19-50826229-C-T.
Other names: c.1750+3G>A (NM_001372305.1).
Identifiers: ClinVar variation 730517 (VCV000730517.33), dbSNP rs373297576, ClinGen allele CA9594150.

ClinVar aggregate classification (germline): Benign/Likely benign. Review status: criteria provided, multiple submitters, no conflicts (2 of 4 stars). 4 submissions from 4 submitters: Benign (2); Likely benign (2). Last evaluated 2026-01-14.

Allele frequency attached by ClinVar (database versions not stated): gnomAD 0.00090 and 0.00091; ExAC 0.00093; gnomAD exomes 0.00095 and 0.00150; TOPMed 0.00096; ESP Exome Variant Server 0.00117.
gnomAD v4.1: 2,240 of 1,550,354 alleles (0.14%); highest among the groups gnomAD compares: Non-Finnish European, 0.17%; 2 homozygotes.

Submissions (4):

Labcorp Genetics (formerly Invitae), Labcorp
Classification: Likely benign. Last evaluated: 2026-01-14. Review status: criteria provided, single submitter. Criteria: Invitae Variant Classification Sherloc (09022015). Collection method: clinical testing. Allele origin: germline.

CeGaT Center for Human Genetics Tuebingen
Classification: Benign. Last evaluated: 2025-07-01. Review status: criteria provided, single submitter. Criteria: CeGaT Center For Human Genetics Tuebingen Variant Classification Criteria Version 2. Collection method: clinical testing. Allele origin: germline. Affected: yes. Observed: 3 variant alleles.
Comment: KCNC3: BP4, BS1, BS2

Athena Diagnostics
Classification: Benign. Last evaluated: 2025-01-21. Review status: criteria provided, single submitter. Criteria: Athena Diagnostics Criteria. Collection method: clinical testing. Allele origin: unknown.
Comment: The frequency of this variant in the general population is higher than would generally be expected for pathogenic variants in this gene.

Blueprint Genetics
Classification: Likely benign. Last evaluated: 2024-10-31. Review status: criteria provided, single submitter. Criteria: ACMG Guidelines, 2015. Collection method: clinical testing. Allele origin: germline.